The following is an entry in ClinVar:

NM_001080.3(ALDH5A1):c.1173+1G>T

Gene: ALDH5A1 (aldehyde dehydrogenase 5 family member A1; plus strand). Cytogenetic location: 6p22.3.
Variant type: single nucleotide variant.
Coding change: c.1173+1G>T on transcript NM_001080.3 (MANE Select); the canonical splice donor site of the intron after coding-DNA position 1173, G replaced by T.
Molecular consequence: splice donor variant.
Genome position (GRCh38, 1-based): chr6:24,522,926, G>T. VCF-style: chr6-24522926-G-T. GRCh37 (hg19) VCF-style: chr6-24523154-G-T.
Other names: c.1212+1G>T (NM_170740.1); c.1029+1G>T (NM_001368954.1).
Identifiers: ClinVar variation 2694258 (VCV002694258.3), dbSNP rs2532868452, ClinGen allele CA362976710.

ClinVar aggregate classification (germline): Likely pathogenic (1 of 4 stars; one submission).

Conditions:
Succinate-semialdehyde dehydrogenase deficiency (SSADHD). Also called: Succinic Semialdehyde Dehydrogenase Deficiency; 4-HYDROXYBUTYRIC ACIDURIA; GABA METABOLIC DEFECT; SSADH DEFICIENCY. Identifiers: Orphanet 22, MedGen C0268631, MONDO:0010083, OMIM 271980.

gnomAD v4.1: 1 of 1,506,134 alleles (0.000066%); highest among the groups gnomAD compares: African/African-American, 0.0014%; no homozygotes.

Submission:

Labcorp Genetics (formerly Invitae), Labcorp
Classification: Likely pathogenic for Succinate-semialdehyde dehydrogenase deficiency. Last evaluated: 2023-11-08. Review status: criteria provided, single submitter. Criteria: Invitae Variant Classification Sherloc (09022015). Collection method: clinical testing. Allele origin: germline.
Comment: This sequence change affects a donor splice site in intron 7 of the ALDH5A1 gene. It is expected to disrupt RNA splicing. Variants that disrupt the donor or acceptor splice site typically lead to a loss of protein function (PMID: 16199547), and loss-of-function variants in ALDH5A1 are known to be pathogenic (PMID: 14635103). This variant is not present in population databases (gnomAD no frequency). This variant has not been reported in the literature in individuals affected with ALDH5A1-related conditions. Algorithms developed to predict the effect of sequence changes on RNA splicing suggest that this variant may disrupt the consensus splice site. In summary, the currently available evidence indicates that the variant is pathogenic, but additional data are needed to prove that conclusively. Therefore, this variant has been classified as Likely Pathogenic.

Literature cited by the submitters: PubMed 16199547; PubMed 14635103.